The following is an entry in ClinVar:

ClinVar aggregate classification (germline): Uncertain significance (1 of 4 stars; one submission).

Conditions:
Glycogen storage disease IXa1. Also called: LIVER GLYCOGENOSIS, X-LINKED, TYPE I; GLYCOGEN STORAGE DISEASE VIII; GSD VIII; Glycogen storage disease 8. Identifiers: Orphanet 264580, MedGen C3694531, MONDO:0010598, OMIM 306000.

Submission:

Labcorp Genetics (formerly Invitae), Labcorp
Classification: Uncertain significance for Glycogen storage disease IXa1. Last evaluated: 2025-09-03. Review status: criteria provided, single submitter. Criteria: Invitae Variant Classification Sherloc (09022015). Collection method: clinical testing. Allele origin: germline.
Comment: This sequence change falls in intron 13 of the PHKA2 gene. It does not directly change the encoded amino acid sequence of the PHKA2 protein. It affects a nucleotide within the consensus splice site. This variant is not present in population databases (gnomAD no frequency). This variant has been observed in individual(s) with clinical features of glycogen storage disease type IXa (internal data). Variants that disrupt the consensus splice site are a relatively common cause of aberrant splicing (PMID: 17576681, 9536098). Algorithms developed to predict the effect of sequence changes on RNA splicing suggest that this variant may disrupt the consensus splice site. In summary, the available evidence is currently insufficient to determine the role of this variant in disease. Therefore, it has been classified as a Variant of Uncertain Significance.

Literature cited by the submitters: PubMed 17576681; PubMed 9536098.

NM_000292.3(PHKA2):c.1324+5G>C

Gene: PHKA2 (phosphorylase kinase regulatory subunit alpha 2; minus strand). Cytogenetic location: Xp22.13.
Variant type: single nucleotide variant.
Coding change: c.1324+5G>C on transcript NM_000292.3 (MANE Select); 5 bases into the intron after coding-DNA position 1324, G replaced by C.
Molecular consequence: intron variant.
Genome position (GRCh38, 1-based): chrX:18,929,223, C>G on the plus strand (G>C on the coding strand, the complement: PHKA2 is on the minus strand). VCF-style: chrX-18929223-C-G. GRCh37 (hg19) VCF-style: chrX-18947341-C-G.
Other names: c.1225+5G>C (NM_001440804.1, NM_001440803.1, NM_001440802.1); c.1324+5G>C (NM_001440801.1, NM_001440800.1, NM_001440805.1).
Identifiers: ClinVar variation 4715704 (VCV004715704.1).